The following is an entry in ClinVar:

ClinVar aggregate classification (germline): Pathogenic (1 of 4 stars; one submission).

Conditions:
Hereditary cancer-predisposing syndrome. Also called: Hereditary neoplastic syndrome; Neoplastic Syndromes, Hereditary; Tumor predisposition; Hereditary Cancer Syndrome. Identifiers: Orphanet 140162, MedGen C0027672, MeSH D009386, MONDO:0015356.

Submission:

Ambry Genetics
Classification: Pathogenic for Hereditary cancer-predisposing syndrome. Last evaluated: 2025-08-07. Review status: criteria provided, single submitter. Criteria: Ambry Variant Classification Scheme 2023. Collection method: clinical testing. Allele origin: germline.
Comment: The c.348_353delACCTATinsCCCAA pathogenic mutation, located in coding exon 4 of the PALB2 gene, results from the deletion of 6 nucleotides and insertion of 5 nucleotides causing a translational frameshift with a predicted alternate stop codon (p.L116Ffs*61). This variant is considered to be rare based on population cohorts in the Genome Aggregation Database (gnomAD). This alteration is expected to result in loss of function by premature protein truncation or nonsense-mediated mRNA decay. As such, this alteration is interpreted as a disease-causing mutation.

NM_024675.4(PALB2):c.348_353delinsCCCAA (p.Leu116fs)

Gene: PALB2 (partner and localizer of BRCA2; minus strand). Cytogenetic location: 16p12.2.
Variant type: Indel.
Coding change: c.348_353delinsCCCAA on transcript NM_024675.4 (MANE Select); coding-DNA positions 348 to 353, ACCTAT replaced by CCCAA.
Protein change: p.Leu116fs; shifts the reading frame from leucine 116.
Molecular consequence: frameshift variant. On other transcripts: 5 prime UTR variant (8), intron variant (3).
Genome position (GRCh38, 1-based): chr16:23,636,193-23,636,198, ATAGGT replaced by TTGGG on the plus strand (ACCTAT replaced by CCCAA on the coding strand, the reverse complement: PALB2 is on the minus strand). VCF-style: chr16-23636193-ATAGGT-TTGGG. GRCh37 (hg19) VCF-style: chr16-23647514-ATAGGT-TTGGG.
Other names: c.288_293delinsCCCAA, p.Leu96fs (NM_001407296.1); c.348_353delinsCCCAA, p.Leu116fs (NM_001407297.1, NM_001407298.1, NM_001407299.1 and 3 more transcripts); c.-538_-533delinsCCCAA (NM_001407304.1, NM_001407305.1, NM_001407306.1 and 5 more transcripts); c.48+4912_48+4917delinsCCCAA (NM_001407314.1); c.-105+4912_-105+4917delinsCCCAA (NM_001407313.1, NM_001407312.1); short protein forms L116fs, L96fs.
Identifiers: ClinVar variation 4130343 (VCV004130343.1).